The following is an entry in ClinVar:

ClinVar aggregate classification (germline): Benign/Likely benign. Review status: criteria provided, multiple submitters, no conflicts (2 of 4 stars). 3 submissions from 3 submitters: Benign (1); Likely benign (2). Last evaluated 2026-08-27.

Conditions:
BAP1-related tumor predisposition syndrome (TPDS1). Also called: Tumor susceptibility linked to germline BAP1 mutations; COMMON Syndrome; TUMOR PREDISPOSITION SYNDROME 1; BAP1 tumor predisposition syndrome. Identifiers: Orphanet 289539, MedGen C3280492, MONDO:0013692, OMIM 614327.
Hereditary cancer-predisposing syndrome. Also called: Tumor predisposition; Hereditary Cancer Syndrome; Hereditary neoplastic syndrome; Neoplastic Syndromes, Hereditary. Identifiers: Orphanet 140162, MedGen C0027672, MeSH D009386, MONDO:0015356.

Submissions (3):

Ambry Genetics
Classification: Likely benign for Hereditary cancer-predisposing syndrome. Last evaluated: 2026-08-27. Review status: criteria provided, single submitter. Criteria: Ambry Variant Classification Scheme 2023. Collection method: clinical testing. Allele origin: germline.

Labcorp Genetics (formerly Invitae), Labcorp
Classification: Likely benign for BAP1-related tumor predisposition syndrome. Last evaluated: 2025-05-22. Review status: criteria provided, single submitter. Criteria: Invitae Variant Classification Sherloc (09022015). Collection method: clinical testing. Allele origin: germline.

Myriad Genetics, Inc.
Classification: Benign for BAP1-related tumor predisposition syndrome. Last evaluated: 2024-07-15. Review status: criteria provided, single submitter. Criteria: Myriad Autosomal Dominant, Autosomal Recessive and X-Linked Classification Criteria (2023). Collection method: clinical testing. Allele origin: unknown.
Comment: This variant is considered benign. This variant is a silent/synonymous amino acid change and it is not expected to impact splicing.

NM_004656.4(BAP1):c.774T>C (p.Ala258=)

Gene: BAP1 (BRCA1 associated deubiquitinase 1; minus strand). Cytogenetic location: 3p21.1.
Variant type: single nucleotide variant.
Coding change: c.774T>C on transcript NM_004656.4 (MANE Select); coding-DNA position 774, T replaced by C.
Protein change: p.Ala258=; no amino-acid change (alanine 258 retained).
Molecular consequence: synonymous variant.
Genome position (GRCh38, 1-based): chr3:52,406,262, A>G on the plus strand (T>C on the coding strand, the complement: BAP1 is on the minus strand). VCF-style: chr3-52406262-A-G. GRCh37 (hg19) VCF-style: chr3-52440278-A-G.
Other names: c.720T>C, p.Ala240= (NM_001410772.1).
Identifiers: ClinVar variation 3379211 (VCV003379211.3).